The following is an entry in ClinVar:

NM_000128.4(F11):c.55+6T>G

Gene: F11 (coagulation factor XI; plus strand). Cytogenetic location: 4q35.2.
Variant type: single nucleotide variant.
Coding change: c.55+6T>G on transcript NM_000128.4 (MANE Select); 6 bases into the intron after coding-DNA position 55, T replaced by G.
Molecular consequence: intron variant.
Genome position (GRCh38, 1-based): chr4:186,267,197, T>G. VCF-style: chr4-186267197-T-G. GRCh37 (hg19) VCF-style: chr4-187188351-T-G.
Other names: c.55+6T>G (NM_001354804.2).
Identifiers: ClinVar variation 1684399 (VCV001684399.1), dbSNP rs1739571881, ClinGen allele CA1519927991.

ClinVar aggregate classification (germline): Uncertain significance (0 of 4 stars; one submission).

Conditions:
Hereditary factor XI deficiency disease. Also called: Congenital factor XI deficiency; PLASMA THROMBOPLASTIN ANTECEDENT DEFICIENCY; PTA DEFICIENCY; ROSENTHAL SYNDROME. Identifiers: Orphanet 329, MedGen C0015523, MeSH D005173, MONDO:0012897, OMIM 612416.

gnomAD v4.1: 3 of 1,524,016 alleles (0.0002%); highest among the groups gnomAD compares: Non-Finnish European, 0.00027%; no homozygotes.

Submission:

ISTH-SSC Genomics in Thrombosis and Hemostasis, KU Leuven, Center for Molecular and Vascular Biology
Classification: Uncertain significance for Hereditary factor XI deficiency disease. Review status: no assertion criteria provided. Collection method: clinical testing. Allele origin: unknown. Affected: yes.
Comment: Submitted to GoldVariant by Bilal Jradeh from Katharine Dormandy Haemophilia and Thrombosis Centre, Royal Free Hospital, London, UK